The following is an entry in ClinVar:

ClinVar aggregate classification (germline): Uncertain significance (1 of 4 stars; one submission).

Conditions:
Fanconi anemia (FA). Also called: Fanconi's anemia. Identifiers: Orphanet 84, MedGen C0015625, MeSH D005199, MONDO:0019391.

Allele frequency attached by ClinVar (database versions not stated): ExAC 0.00001; TOPMed 0.00001; gnomAD exomes 0.00002.
gnomAD v4.1: 25 of 1,613,754 alleles (0.0015%); highest among the groups gnomAD compares: Non-Finnish European, 0.0021%; no homozygotes.

Submission:

Labcorp Genetics (formerly Invitae), Labcorp
Classification: Uncertain significance for Fanconi anemia. Last evaluated: 2021-12-26. Review status: criteria provided, single submitter. Criteria: Invitae Variant Classification Sherloc (09022015). Collection method: clinical testing. Allele origin: germline.
Comment: This sequence change replaces alanine, which is neutral and non-polar, with valine, which is neutral and non-polar, at codon 947 of the FANCI protein (p.Ala947Val). This variant is present in population databases (rs202053383, gnomAD 0.004%). This variant has not been reported in the literature in individuals affected with FANCI-related conditions. Algorithms developed to predict the effect of missense changes on protein structure and function output the following: SIFT: "Tolerated"; PolyPhen-2: "Benign"; Align-GVGD: "Class C0". The valine amino acid residue is found in multiple mammalian species, which suggests that this missense change does not adversely affect protein function. In summary, the available evidence is currently insufficient to determine the role of this variant in disease. Therefore, it has been classified as a Variant of Uncertain Significance.

NM_001113378.2(FANCI):c.2840C>T (p.Ala947Val)

Gene: FANCI (FA complementation group I; plus strand). Cytogenetic location: 15q26.1.
Variant type: single nucleotide variant.
Coding change: c.2840C>T on transcript NM_001113378.2 (MANE Select); coding-DNA position 2840, C replaced by T.
Protein change: p.Ala947Val; replaces alanine 947 with valine.
Molecular consequence: missense variant.
Genome position (GRCh38, 1-based): chr15:89,300,336, C>T. VCF-style: chr15-89300336-C-T. GRCh37 (hg19) VCF-style: chr15-89843567-C-T.
Other names: c.2561C>T, p.Ala854Val (NM_001376910.1); c.2840C>T, p.Ala947Val (NM_001376911.1); c.2660C>T, p.Ala887Val (NM_018193.3); short protein forms A854V, A887V, A947V.
Identifiers: ClinVar variation 2421669 (VCV002421669.2), dbSNP rs202053383, ClinGen allele CA7723483.